The following is an entry in ClinVar:

ClinVar aggregate classification (germline): Likely benign (0 of 4 stars; one submission).

Conditions:
NBEA-related disorder. Also called: NBEA-related condition.

Submission:

PreventionGenetics, part of Exact Sciences
Classification: Likely benign for NBEA-related condition. Last evaluated: 2024-07-23. Review status: no assertion criteria provided. Collection method: clinical testing. Allele origin: germline.
Comment: This variant is classified as likely benign based on ACMG/AMP sequence variant interpretation guidelines (Richards et al. 2015 PMID: 25741868, with internal and published modifications).

NM_001385012.1(NBEA):c.1332C>G (p.Ala444=)

Gene: NBEA (neurobeachin; plus strand). Cytogenetic location: 13q13.3.
Variant type: single nucleotide variant.
Coding change: c.1332C>G on transcript NM_001385012.1 (MANE Select); coding-DNA position 1332, C replaced by G.
Protein change: p.Ala444=; no amino-acid change (alanine 444 retained).
Molecular consequence: synonymous variant.
Genome position (GRCh38, 1-based): chr13:35,070,000, C>G. VCF-style: chr13-35070000-C-G. GRCh37 (hg19) VCF-style: chr13-35644137-C-G.
Other names: c.1332C>G, p.Ala444= (NM_001379245.1, NM_015678.5).
Identifiers: ClinVar variation 3344198 (VCV003344198.1).
Genomic context (GRCh38, chr13:35,070,000, plus strand): 5'-TCATTTGGCAGAACATCATAAACAGGTGTTATATGATGGGAAACTTGCAAGTAGCATTGC[C>G]TTTACATATAATGCTAAGGCCACTGATGCTCAGCTCTGCCTGGAATCATCACCAAAAGAG-3'
Protein context (NP_001371941.1, residues 434-454): LYDGKLASSI[Ala444=]FTYNAKATDA